The following is an entry in ClinVar:

NM_001384140.1(PCDH15):c.92-24483A>G

Genes: PCDH15 (protocadherin related 15; minus strand), LOC105378311 (uncharacterized LOC105378311; plus strand). Cytogenetic location: 10q21.1.
Variant type: single nucleotide variant.
Coding change: c.92-24483A>G on transcript NM_001384140.1 (MANE Select); 24483 bases into the intron before coding-DNA position 92, A replaced by G.
Molecular consequence: intron variant.
Genome position (GRCh38, 1-based): chr10:54,552,360, T>C on the plus strand (A>G on the coding strand, the complement: PCDH15 is on the minus strand). VCF-style: chr10-54552360-T-C. GRCh37 (hg19) VCF-style: chr10-56312120-T-C.
Other names: c.92-24483A>G (NM_001354420.2, NM_001354429.2, NM_001142772.2 and 8 more transcripts); c.92-23958A>G (NM_001142771.2, NM_001142769.3, NM_001142763.2); c.91+111812A>G (NM_001354404.2, NM_001142773.2, NM_001142768.2).
Identifiers: ClinVar variation 3338139 (VCV003338139.1).

ClinVar aggregate classification (germline): Uncertain significance (0 of 4 stars; one submission).

Conditions:
Hearing impairment. Also called: Impaired Hearing. Identifiers: MedGen C1384666, MONDO:0005365, HP:0000365.

gnomAD v4.1: 20 of 152,194 alleles (0.013%); highest among the groups gnomAD compares: Non-Finnish European, 0.024%; no homozygotes.

Submission:

Joint Genome Diagnostic Labs from Nijmegen and Maastricht, Radboudumc and MUMC+
Classification: Uncertain significance for hearing impairment. Review status: no assertion criteria provided. Collection method: clinical testing. Allele origin: germline. Affected: yes.
Comment: de novo variant